The following is an entry in ClinVar:

ClinVar aggregate classification (germline): Uncertain significance. Review status: criteria provided, multiple submitters, no conflicts (2 of 4 stars). 2 submissions from 2 submitters: Uncertain significance (2). Last evaluated 2021-08-27.

Conditions:
Hereditary spastic paraplegia 39 (SPG39). Also called: SPASTIC PARAPLEGIA 39, AUTOSOMAL RECESSIVE; Spastic Paraplegia Type 39 (SPG39). Identifiers: Orphanet 139480, MedGen C2677586, MONDO:0012787, OMIM 612020.

Allele frequency attached by ClinVar (database versions not stated): gnomAD exomes below 0.00001.
gnomAD v4.1: 21 of 1,606,950 alleles (0.0013%); highest among the groups gnomAD compares: Non-Finnish European, 0.0017%; no homozygotes.

Submissions (2):

Labcorp Genetics (formerly Invitae), Labcorp
Classification: Uncertain significance for Hereditary spastic paraplegia 39. Last evaluated: 2021-08-27. Review status: criteria provided, single submitter. Criteria: Invitae Variant Classification Sherloc (09022015). Collection method: clinical testing. Allele origin: germline.
Comment: This sequence change replaces alanine with glutamic acid at codon 1295 of the PNPLA6 protein (p.Ala1295Glu). The alanine residue is weakly conserved and there is a moderate physicochemical difference between alanine and glutamic acid. This variant is not present in population databases (ExAC no frequency). This variant has not been reported in the literature in individuals affected with PNPLA6-related conditions. ClinVar contains an entry for this variant (Variation ID: 893476). Algorithms developed to predict the effect of missense changes on protein structure and function (SIFT, PolyPhen-2, Align-GVGD) all suggest that this variant is likely to be tolerated. In summary, the available evidence is currently insufficient to determine the role of this variant in disease. Therefore, it has been classified as a Variant of Uncertain Significance.

Illumina Laboratory Services, Illumina
Classification: Uncertain significance for Hereditary spastic paraplegia 39. Last evaluated: 2018-01-13. Review status: criteria provided, single submitter. Criteria: ICSL Variant Classification Criteria 13 December 2019. Collection method: clinical testing. Allele origin: germline.

NM_001166114.2(PNPLA6):c.3998C>A (p.Ala1333Glu)

Gene: PNPLA6 (patatin like domain 6, lysophospholipase; plus strand). Cytogenetic location: 19p13.2.
Variant type: single nucleotide variant.
Coding change: c.3998C>A on transcript NM_001166114.2 (MANE Select); coding-DNA position 3998, C replaced by A.
Protein change: p.Ala1333Glu; replaces alanine 1333 with glutamic acid.
Molecular consequence: missense variant.
Genome position (GRCh38, 1-based): chr19:7,561,292, C>A. VCF-style: chr19-7561292-C-A. GRCh37 (hg19) VCF-style: chr19-7626178-C-A.
Other names: c.4028C>A, p.Ala1343Glu (NM_001166111.2); c.3803C>A, p.Ala1268Glu (NM_001166112.2); c.3884C>A, p.Ala1295Glu (NM_001166113.1, NM_006702.5); short protein forms A1343E, A1268E, A1333E, A1295E.
Identifiers: ClinVar variation 893476 (VCV000893476.8), dbSNP rs1385761016, ClinGen allele CA403139624.